The following is an entry in ClinVar:

NM_004343.4(CALR):c.1100_1145del (p.Leu367fs)

Gene: CALR (calreticulin; plus strand). Cytogenetic location: 19p13.13.
Variant type: Deletion.
Coding change: c.1100_1145del on transcript NM_004343.4 (MANE Select); coding-DNA positions 1100 to 1145, 46 bases deleted.
Protein change: p.Leu367fs; shifts the reading frame from leucine 367.
Molecular consequence: frameshift variant.
Genome position (GRCh38, 1-based): chr19:12,943,759-12,943,804, 46 bases deleted; deleting any 46 consecutive bases within chr19:12,943,754-12,943,804 gives the same sequence; the c. name uses the placement nearest the transcript's 3' end. GRCh37 (hg19): chr19:13,054,573-13,054,618.
Other names: short protein forms L367fs.
Identifiers: ClinVar variation 5036700 (VCV005036700.1).
Genomic context (GRCh38, chr19:12,943,753, plus strand): 5'-GGTGTGTGCTCTGCCTGCAGGCAGCAGAGAAACAAATGAAGGACAAACAGGACGAGGAGC[AGAGGCTTAAGGAGGAGGAAGAAGACAAGAAACGCAAAGAGGAGGAG>A]GAGGCAGAGGACAAGGAGGATGATGAGGACAAAGATGAGGATGAGGAGGATGAGGAGGAC-3'

ClinVar aggregate classification (germline): Likely pathogenic (1 of 4 stars; one submission).

Conditions:
Myeloproliferative neoplasm. Identifiers: Orphanet 98274, MedGen C1292778, MONDO:0020076.

Submission:

Dept of Medical Biology, Uskudar University
Classification: Likely pathogenic for Myeloproliferative neoplasm. Last evaluated: 2026-09-23. Review status: criteria provided, single submitter. Criteria: Dept of Medical Biology Variant Classification. Collection method: research. Allele origin: unknown. Affected: yes. Observed: 1 variant allele.
Comment: PS1_moderate (by analogy): the frameshift generates the same neomorphic carboxy-terminus as the established pathogenic CALR type 1 and type 2 alleles (PMID:24325356; PMID:24325359). PM1: located in the exon 9 frameshift hotspot that generates the neomorphic carboxy-terminus. PM2_supporting: rare in gnomAD v4.1 (allele frequency 6.9e-07 in exomes, 6.6e-06 in genomes). PP4: carriers were JAK2 V617F-negative and referred for suspected myeloproliferative neoplasm, a phenotype highly specific for CALR-mutated disease. Classified as likely pathogenic under the ACMG/AMP 2015 guidelines (PMID:25741868). Detected in a retrospective series of 256 BCR::ABL1-negative and JAK2 V617F-negative patients referred for molecular investigation of a suspected myeloproliferative neoplasm (May 2007 to January 2015) and re-interpreted under the ACMG/AMP 2015 criteria.

Literature cited by the submitters: PubMed 24325356; PubMed 24325359.